The following is an entry in ClinVar:

ClinVar aggregate classification (germline): Pathogenic/Likely pathogenic. Review status: criteria provided, multiple submitters, no conflicts (2 of 4 stars). 3 submissions from 3 submitters: Pathogenic (1); Likely pathogenic (1). 1 of the submissions does not count toward it. Last evaluated 2023-12-24.

Conditions:
Niemann-Pick disease, type C (NPC). Identifiers: Orphanet 646, MedGen C0220756, MONDO:0018982.
Niemann-Pick disease, type C2 (NPC2). Identifiers: Orphanet 646, MedGen C1843366, MONDO:0011873, OMIM 607625.

Submissions (3):

Labcorp Genetics (formerly Invitae), Labcorp
Classification: Pathogenic for Niemann-Pick disease, type C2. Last evaluated: 2023-12-24. Review status: criteria provided, single submitter. Criteria: Invitae Variant Classification Sherloc (09022015). Collection method: clinical testing. Allele origin: germline.
Comment: This sequence change affects the initiator methionine of the NPC2 mRNA. The next in-frame methionine is located at codon 79. This variant is not present in population databases (gnomAD no frequency). Disruption of the initiator codon has been observed in individual(s) with Niemann-Pick disease type C (PMID: 19252935, 24915861). In at least one individual the data is consistent with being in trans (on the opposite chromosome) from a pathogenic variant. ClinVar contains an entry for this variant (Variation ID: 132902). This variant disrupts a region of the NPC2 protein in which other variant(s) (p.Cys47Phe) have been observed in individuals with NPC2-related conditions (PMID: 12955717, 15937921, 17470133). This suggests that this is a clinically significant region of the protein, and that variants that disrupt it are likely to be disease-causing. For these reasons, this variant has been classified as Pathogenic.

Women's Health and Genetics/Laboratory Corporation of America, LabCorp
Classification: Likely pathogenic for Niemann-Pick disease, type C. Last evaluated: 2023-08-22. Review status: criteria provided, single submitter. Criteria: LabCorp Variant Classification Summary - May 2015. Collection method: clinical testing. Allele origin: germline.
Comment: Variant summary: NPC2 c.3G>C (p.Met1Ile) alters the initiation codon and is predicted to result either in absence of the protein or truncation of the encoded protein due to translation initiation at a downstream codon. The next downstream in frame initiation codon is at Met79. The variant was absent in 246888 control chromosomes. c.3G>C has been reported in the literature in individuals affected with Niemann-Pick Disease Type C (Zhang_2014). Additionally, disruptions of the start codon have been associated with pathogenicity in ClinVar and observed in multiple individuals with Niemann-Pick Diease (PMIDs: 19252935, 32138288). To our knowledge, no experimental evidence demonstrating an impact on protein function has been reported. The following publication have been ascertained in the context of this evaluation (PMID: 24915861). No submitters have cited clinical-significance assessments for this variant to ClinVar after 2014. Based on the evidence outlined above, the variant was classified as likely pathogenic.

Shanghain Institute for Pediatric Research
Classification: Pathogenic for Niemann-Pick disease type C2. Review status: no assertion criteria provided. Collection method: not provided. Allele origin: germline. Not counted in ClinVar's aggregate classification.
ClinVar note: Converted during submission from pathogenic to Pathogenic.

Literature cited by the submitters: PubMed 19252935 (cited by Labcorp Genetics (formerly Invitae), Labcorp); PubMed 24915861 (cited by Labcorp Genetics (formerly Invitae), Labcorp and Women's Health and Genetics/Laboratory Corporation of America, LabCorp); PubMed 12955717 (cited by Labcorp Genetics (formerly Invitae), Labcorp); PubMed 15937921 (cited by Labcorp Genetics (formerly Invitae), Labcorp); PubMed 17470133 (cited by Labcorp Genetics (formerly Invitae), Labcorp).

NM_006432.5(NPC2):c.3G>C (p.Met1Ile)

Gene: NPC2 (NPC intracellular cholesterol transporter 2; minus strand). Cytogenetic location: 14q24.3.
Variant type: single nucleotide variant.
Coding change: c.3G>C on transcript NM_006432.5 (MANE Select); coding-DNA position 3, G replaced by C.
Protein change: p.Met1Ile; changes the start codon (methionine 1).
Molecular consequence: missense variant, initiator codon variant.
Genome position (GRCh38, 1-based): chr14:74,493,272, C>G on the plus strand (G>C on the coding strand, the complement: NPC2 is on the minus strand). VCF-style: chr14-74493272-C-G. GRCh37 (hg19) VCF-style: chr14-74959975-C-G.
Other names: c.3G>C, p.Met1Ile (NM_001363688.1, NM_001375440.1); short protein forms M1I.
Identifiers: ClinVar variation 132902 (VCV000132902.7), dbSNP rs483352893, ClinGen allele CA269836.